The following is an entry in ClinVar:

NM_001165963.4(SCN1A):c.258dup (p.Lys87Ter)

Gene: SCN1A (sodium voltage-gated channel alpha subunit 1; minus strand). Cytogenetic location: 2q24.3.
Variant type: Duplication.
Coding change: c.258dup on transcript NM_001165963.4 (MANE Select); coding-DNA position 258, one base duplicated (T; older notation c.258dupT).
Protein change: p.Lys87Ter; replaces lysine 87 with a stop codon.
Molecular consequence: nonsense. On other transcripts: 5 prime UTR variant (1), non-coding transcript variant (1).
Genome position (GRCh38, 1-based): chr2:166,073,364, A duplicated on the plus strand (T on the coding strand, the reverse complement: SCN1A is on the minus strand). VCF-style (leftmost placement, unchanged base first): chr2-166073363-T-TA. GRCh37 (hg19) VCF-style: chr2-166929873-T-TA.
Other names: c.258dup, p.Lys87Ter (NM_001165964.3, NM_001202435.3, NM_001353948.2 and 10 more transcripts); c.-2168dup (NM_001353961.2); short protein forms K87*.
Identifiers: ClinVar variation 2749895 (VCV002749895.3), dbSNP rs2468363453, ClinGen allele CA2697551268.

ClinVar aggregate classification (germline): Pathogenic (1 of 4 stars; one submission).

Conditions:
Early-infantile DEE. Also called: Ohtahara syndrome; Early infantile epileptic encephalopathy; Early infantile epileptic encephalopathy with suppression bursts. Identifiers: Orphanet 1934, MedGen C0393706, MONDO:0800491.

Submission:

Labcorp Genetics (formerly Invitae), Labcorp
Classification: Pathogenic for Early-infantile DEE. Last evaluated: 2023-08-03. Review status: criteria provided, single submitter. Criteria: Invitae Variant Classification Sherloc (09022015). Collection method: clinical testing. Allele origin: germline.
Comment: This sequence change creates a premature translational stop signal (p.Lys87*) in the SCN1A gene. It is expected to result in an absent or disrupted protein product. Loss-of-function variants in SCN1A are known to be pathogenic (PMID: 17347258, 18930999). This variant is not present in population databases (gnomAD no frequency). This variant has not been reported in the literature in individuals affected with SCN1A-related conditions. For these reasons, this variant has been classified as Pathogenic.

Literature cited by the submitters: PubMed 17347258; PubMed 18930999.